The following is an entry in ClinVar:

NM_014974.3(DIP2C):c.1385-4C>T

Gene: DIP2C (disco interacting protein 2 homolog C; minus strand). Cytogenetic location: 10p15.3.
Variant type: single nucleotide variant.
Coding change: c.1385-4C>T on transcript NM_014974.3 (MANE Select); 4 bases into the intron before coding-DNA position 1385, C replaced by T.
Molecular consequence: intron variant.
Genome position (GRCh38, 1-based): chr10:390,377, G>A on the plus strand (C>T on the coding strand, the complement: DIP2C is on the minus strand). VCF-style: chr10-390377-G-A. GRCh37 (hg19) VCF-style: chr10-436317-G-A.
Identifiers: ClinVar variation 3049817 (VCV003049817.2), dbSNP rs374957162, ClinGen allele CA5380931.

ClinVar aggregate classification (germline): Likely benign (0 of 4 stars; one submission).

Conditions:
DIP2C-related disorder. Also called: DIP2C-related condition.

Allele frequency attached by ClinVar (database versions not stated): ExAC 0.00005; ESP Exome Variant Server 0.00015.
gnomAD v4.1: 30 of 1,613,306 alleles (0.0019%); highest among the groups gnomAD compares: South Asian, 0.021%; no homozygotes.

Submission:

PreventionGenetics, part of Exact Sciences
Classification: Likely benign for DIP2C-related condition. Last evaluated: 2019-04-19. Review status: no assertion criteria provided. Collection method: clinical testing. Allele origin: germline.
Comment: This variant is classified as likely benign based on ACMG/AMP sequence variant interpretation guidelines (Richards et al. 2015 PMID: 25741868, with internal and published modifications).